The following is an entry in ClinVar:

ClinVar aggregate classification (germline): Uncertain significance (1 of 4 stars; one submission).

Submission:

Labcorp Genetics (formerly Invitae), Labcorp
Classification: Uncertain significance. Last evaluated: 2024-07-10. Review status: criteria provided, single submitter. Criteria: Invitae Variant Classification Sherloc (09022015). Collection method: clinical testing. Allele origin: germline.
Comment: This sequence change replaces lysine, which is basic and polar, with isoleucine, which is neutral and non-polar, at codon 422 of the USP9X protein (p.Lys422Ile). This variant is not present in population databases (gnomAD no frequency). This variant has not been reported in the literature in individuals affected with USP9X-related conditions. An algorithm developed to predict the effect of missense changes on protein structure and function (PolyPhen-2) suggests that this variant is likely to be disruptive. In summary, the available evidence is currently insufficient to determine the role of this variant in disease. Therefore, it has been classified as a Variant of Uncertain Significance.

NM_001039591.3(USP9X):c.1265A>T (p.Lys422Ile)

Gene: USP9X (ubiquitin specific peptidase 9 X-linked; plus strand). Cytogenetic location: Xp11.4.
Variant type: single nucleotide variant.
Coding change: c.1265A>T on transcript NM_001039591.3 (MANE Select); coding-DNA position 1265, A replaced by T.
Protein change: p.Lys422Ile; replaces lysine 422 with isoleucine.
Molecular consequence: missense variant.
Genome position (GRCh38, 1-based): chrX:41,143,394, A>T. VCF-style: chrX-41143394-A-T. GRCh37 (hg19) VCF-style: chrX-41002647-A-T.
Other names: c.1265A>T, p.Lys422Ile (NM_001039590.3, NM_001410748.1, NM_001410749.1); short protein forms K422I.
Identifiers: ClinVar variation 3659174 (VCV003659174.2).